The following is an entry in ClinVar:

NM_001458.5(FLNC):c.8007G>A (p.Met2669Ile)

Genes: FLNC-AS1 (FLNC antisense RNA 1; minus strand), FLNC (filamin C; plus strand). Cytogenetic location: 7q32.1.
Variant type: single nucleotide variant.
Coding change: c.8007G>A on transcript NM_001458.5 (MANE Select); coding-DNA position 8007, G replaced by A.
Protein change: p.Met2669Ile; replaces methionine 2669 with isoleucine.
Molecular consequence: missense variant.
Genome position (GRCh38, 1-based): chr7:128,858,352, G>A. VCF-style: chr7-128858352-G-A. GRCh37 (hg19) VCF-style: chr7-128498406-G-A.
Other names: c.7908G>A, p.Met2636Ile (NM_001127487.2); short protein forms M2636I, M2669I.
Identifiers: ClinVar variation 2951619 (VCV002951619.3), dbSNP rs2536673645, ClinGen allele CA369221083.

ClinVar aggregate classification (germline): Uncertain significance (1 of 4 stars; one submission).

Conditions:
Myofibrillar myopathy 5. Also called: Filaminopathy (type); FILAMINOPATHY, AUTOSOMAL DOMINANT. Identifiers: Orphanet 171445, MedGen C1836050, MONDO:0012289, OMIM 609524.
Distal myopathy with posterior leg and anterior hand involvement. Also called: WILLIAMS DISTAL MYOPATHY. Identifiers: Orphanet 63273, MedGen C3279722, MONDO:0013550, OMIM 614065.
Hypertrophic cardiomyopathy 26. Also called: Cardiomyopathy, familial hypertrophic, 26. Identifiers: Orphanet 75249, MedGen C4310749, MONDO:0014883, OMIM 617047.

Submission:

Labcorp Genetics (formerly Invitae), Labcorp
Classification: Uncertain significance for Distal myopathy with posterior leg and anterior hand involvement; Myofibrillar myopathy 5; Hypertrophic cardiomyopathy 26. Last evaluated: 2024-02-18. Review status: criteria provided, single submitter. Criteria: Invitae Variant Classification Sherloc (09022015). Collection method: clinical testing. Allele origin: germline.
Comment: This sequence change replaces methionine, which is neutral and non-polar, with isoleucine, which is neutral and non-polar, at codon 2669 of the FLNC protein (p.Met2669Ile). This variant is not present in population databases (gnomAD no frequency). This variant has not been reported in the literature in individuals affected with FLNC-related conditions. Advanced modeling of protein sequence and biophysical properties (such as structural, functional, and spatial information, amino acid conservation, physicochemical variation, residue mobility, and thermodynamic stability) performed at Invitae indicates that this missense variant is not expected to disrupt FLNC protein function with a negative predictive value of 95%. In summary, the available evidence is currently insufficient to determine the role of this variant in disease. Therefore, it has been classified as a Variant of Uncertain Significance.